The following is an entry in ClinVar:

NM_000293.3(PHKB):c.365T>C (p.Met122Thr)

Gene: PHKB (phosphorylase kinase regulatory subunit beta; plus strand). Cytogenetic location: 16q12.1.
Variant type: single nucleotide variant.
Coding change: c.365T>C on transcript NM_000293.3 (MANE Select); coding-DNA position 365, T replaced by C.
Protein change: p.Met122Thr; replaces methionine 122 with threonine.
Molecular consequence: missense variant.
Genome position (GRCh38, 1-based): chr16:47,503,050, T>C. VCF-style: chr16-47503050-T-C. GRCh37 (hg19) VCF-style: chr16-47536961-T-C.
Other names: c.344T>C, p.Met115Thr (NM_001031835.3); c.365T>C, p.Met122Thr (NM_001363837.1); short protein forms M122T, M115T.
Identifiers: ClinVar variation 959062 (VCV000959062.7), dbSNP rs1970349740, ClinGen allele CA396099039.

ClinVar aggregate classification (germline): Uncertain significance (1 of 4 stars; one submission).

Conditions:
Glycogen storage disease IXb (GSD9B). Also called: PHOSPHORYLASE KINASE DEFICIENCY OF LIVER AND MUSCLE, AUTOSOMAL RECESSIVE; GLYCOGENOSIS OF LIVER AND MUSCLE, AUTOSOMAL RECESSIVE; GSD IXb. Identifiers: Orphanet 79240, MedGen C0543514, MONDO:0009868, OMIM 261750.

Allele frequency attached by ClinVar (database versions not stated): gnomAD exomes below 0.00001; gnomAD 0.00001.

Submission:

Labcorp Genetics (formerly Invitae), Labcorp
Classification: Uncertain significance for Glycogen storage disease IXb. Last evaluated: 2021-08-13. Review status: criteria provided, single submitter. Criteria: Invitae Variant Classification Sherloc (09022015). Collection method: clinical testing. Allele origin: germline.
Comment: This sequence change replaces methionine with threonine at codon 122 of the PHKB protein (p.Met122Thr). The methionine residue is highly conserved and there is a moderate physicochemical difference between methionine and threonine. This variant is not present in population databases (ExAC no frequency). This missense change has been observed in individual(s) with clinical features of PHKB-related conditions (Invitae). Algorithms developed to predict the effect of missense changes on protein structure and function are either unavailable or do not agree on the potential impact of this missense change (SIFT: "Deleterious"; PolyPhen-2: "Possibly Damaging"; Align-GVGD: "Class C0"). In summary, the available evidence is currently insufficient to determine the role of this variant in disease. Therefore, it has been classified as a Variant of Uncertain Significance.